The following is an entry in ClinVar:

ClinVar aggregate classification (germline): Conflicting classifications of pathogenicity. Review status: criteria provided, conflicting classifications (1 of 4 stars). 3 submissions from 3 submitters: Likely pathogenic (1); Uncertain significance (2). Last evaluated 2026-06-17.

Conditions:
Neurodevelopmental abnormality. Identifiers: MedGen C4022737, HP:0012759.

Allele frequency attached by ClinVar (database versions not stated): ExAC 0.00002; gnomAD 0.00001; TOPMed 0.00002; gnomAD exomes 0.00001 and 0.00003.

Submissions (3):

Ambry Genetics
Classification: Uncertain significance. Last evaluated: 2026-06-17. Review status: criteria provided, single submitter. Criteria: Ambry Variant Classification Scheme 2023. Collection method: clinical testing. Allele origin: germline.
Comment: The c.773A>T (p.D258V) alteration is located in exon 5 (coding exon 5) of the PRMT9 gene. This alteration results from an A to T substitution at nucleotide position 773, causing the aspartic acid (D) at amino acid position 258 to be replaced by a valine (V). Based on data from gnomAD, the T allele has an overall frequency of 0.003% (7/251338) total alleles studied. The highest observed frequency was 0.02% (7/34592) of Latino alleles. This variant has been identified in the homozygous state and/or in conjunction with other PRMT9 variant(s) in individual(s) with features consistent with PRMT9-related neurodevelopmental disorder (Kr&ouml;ll-Hermi, 2025). This amino acid position is highly conserved in available vertebrate species. This amino acid alteration is predicted to be deleterious by in silico analysis. Based on insufficient or conflicting evidence, the clinical significance of this alteration remains unclear.

Laboratory of Medical Genetics (UMR_S 1112), INSERM/Strasbourg University
Classification: Likely pathogenic for Neurodevelopmental abnormality. Last evaluated: 2022-08-02. Review status: criteria provided, single submitter. Criteria: ACMG Guidelines, 2015. Collection method: research. Allele origin: inherited. Affected: yes. Observed: 3 variant alleles, 1 compound heterozygote, 1 homozygote.

Eurofins Ntd Llc (ga)
Classification: Uncertain significance. Last evaluated: 2015-06-26. Review status: criteria provided, single submitter. Criteria: EGL Classification Definitions 2015. Collection method: clinical testing. Allele origin: germline. Observed: 1 variant allele, 1 homozygote.

Literature cited by the submitters: PubMed 41260215 (cited by Ambry Genetics).

NM_138364.4(PRMT9):c.773A>T (p.Asp258Val)

Gene: PRMT9 (protein arginine methyltransferase 9; minus strand). Cytogenetic location: 4q31.23.
Variant type: single nucleotide variant.
Coding change: c.773A>T on transcript NM_138364.4 (MANE Select); coding-DNA position 773, A replaced by T.
Protein change: p.Asp258Val; replaces aspartic acid 258 with valine.
Molecular consequence: missense variant. On other transcripts: intron variant (3).
Genome position (GRCh38, 1-based): chr4:147,670,714, T>A on the plus strand (A>T on the coding strand, the complement: PRMT9 is on the minus strand). VCF-style: chr4-147670714-T-A. GRCh37 (hg19) VCF-style: chr4-148591865-T-A.
Other names: c.773A>T (NM_138364.2); c.434A>T, p.Asp145Val (NM_001304458.2, NM_001350142.2); c.-137-6A>T (NM_001350143.2); c.-476-2069A>T (NM_001350144.2); c.-671-2069A>T (NM_001350141.2); short protein forms D258V, D145V.
Identifiers: ClinVar variation 281602 (VCV000281602.29), dbSNP rs200956405, ClinGen allele CA3098754.
Genomic context (GRCh38, chr4:147,670,714, plus strand): 5'-AGTAAATGCTCCCATGCATGAATCAAACTCTCCACAATTCCTTCTCCAAATAAACCTGCA[T>A]CGACAGTTTCTGTTACAACTAGGGACACTCTATAGAATGATTTTTTAAAGATATATGTAA-3'
Protein context (NP_612373.2, residues 248-268): RVSLVVTETV[Asp258Val]AGLFGEGIVE